The following is an entry in ClinVar:

ClinVar aggregate classification (germline): Pathogenic. Review status: criteria provided, multiple submitters, no conflicts (2 of 4 stars). 12 submissions from 12 submitters: Pathogenic (11). 1 of the submissions does not count toward it. Last evaluated 2025-10-01.

Conditions:
Hereditary cancer-predisposing syndrome. Also called: Neoplastic Syndromes, Hereditary; Hereditary Cancer Syndrome; Tumor predisposition; Hereditary neoplastic syndrome. Identifiers: Orphanet 140162, MedGen C0027672, MeSH D009386, MONDO:0015356.
Birt-Hogg-Dube syndrome. Also called: Birt Hogg Dubé syndrome. Identifiers: Orphanet 122, MedGen C0346010, MONDO:0800444.

Submissions (12):

CeGaT Center for Human Genetics Tuebingen
Classification: Pathogenic. Last evaluated: 2025-10-01. Review status: criteria provided, single submitter. Criteria: CeGaT Center For Human Genetics Tuebingen Variant Classification Criteria Version 2. Collection method: clinical testing. Allele origin: germline. Affected: yes. Observed: 1 variant allele.
Comment: FLCN: PVS1, PM2, PS4:Moderate

Dasa
Classification: Pathogenic. Last evaluated: 2025-09-08. Review status: criteria provided, single submitter. Criteria: DASA Assertion Criteria. Collection method: clinical testing. Allele origin: germline.
Comment: NM_144997.7(FLCN):c.1252del (p.Leu418Trpfs*50) is a frameshift variant in FLCN predicted to alter the reading frame and introduce a premature termination codon and is predicted to result in an absent or altered protein product. Loss of function is an established disease mechanism for FLCN (PMID: 22146830; PMID: 20413710; PMID: 21412933). This variant has been reported in individuals with FLCN-related disorders. Also, this variant is absent from population databases. Based on the currently available evidence, this variant is classified as pathogenic.

ARUP Laboratories, Molecular Genetics and Genomics, ARUP Laboratories
Classification: Pathogenic. Last evaluated: 2025-07-31. Review status: criteria provided, single submitter. Criteria: ARUP Molecular Germline Variant Investigation Process 2024. Collection method: clinical testing. Allele origin: germline.
Comment: The FLCN c.1252del; p.Leu418TrpfsTer50 variant (rs864622651, ClinVar Variation ID: 220767), also published as 1707delC, is reported in the literature in multiple individuals affected with Birt-Hogg-Dube syndrome (Boland 2020, Dhaliwal 2023, Namba 2023, Raymond 2014, Toro 2008). This variant is absent from the Genome Aggregation Database (v2.1.1), indicating it is not a common polymorphism. This variant causes a frameshift by deleting a single nucleotide, so it is predicted to result in a truncated protein or mRNA subject to nonsense-mediated decay. Based on available information, this variant is considered to be pathogenic. References: Boland J et al. Concurrent Birt-Hogg-DubÃ© Syndrome and Hereditary Paraganglioma-Pheochromocytoma Syndrome Presenting as Metastatic Renal Cell Carcinoma in a 25-Year-Old Man: A Case Report. Perm J. 2020 Nov;24:1-6. PMID: 33482948. Dhaliwal A et al. Hydropneumothorax as a Presentation of Birt-Hogg-DubÃ© Syndrome. Cureus. 2023 May 2;15(5):e38465. PMID: 37273290. Namba Y et al. Clinical and genetic features of 334 Asian patients with Birt-Hogg-DubÃ© syndrome (BHDS) who presented with pulmonary cysts with or without a history of pneumothorax, with special reference to BHDS-associated pneumothorax. PLoS One. 2023 Jul 25;18(7):e0289175. PMID: 37490463 Raymond VM et al. An oncocytic adrenal tumour in a patient with Birt-Hogg-DubÃ© syndrome. Clin Endocrinol (Oxf). 2014 Jun;80(6):925-7. PMID: 23848572. Toro JR et al. BHD mutations, clinical and molecular genetic investigations of Birt-Hogg-DubÃ© syndrome: a new series of 50 families and a review of published reports. J Med Genet. 2008 Jun;45(6):321-31. PMID: 18234728.

Mayo Clinic Laboratories, Mayo Clinic
Classification: Pathogenic. Last evaluated: 2025-07-31. Review status: criteria provided, single submitter. Criteria: ACMG Guidelines, 2015. Collection method: clinical testing. Allele origin: germline. Observed: 6 variant alleles.
Comment: PP4, PM2_supporting, PVS1

Labcorp Genetics (formerly Invitae), Labcorp
Classification: Pathogenic for Birt-Hogg-Dube syndrome. Last evaluated: 2025-03-12. Review status: criteria provided, single submitter. Criteria: Invitae Variant Classification Sherloc (09022015). Collection method: clinical testing. Allele origin: germline.
Comment: This sequence change creates a premature translational stop signal (p.Leu418Trpfs*50) in the FLCN gene. It is expected to result in an absent or disrupted protein product. Loss-of-function variants in FLCN are known to be pathogenic (PMID: 15852235). This variant is not present in population databases (gnomAD no frequency). This premature translational stop signal has been observed in individual(s) with Birt-Hogg-Dubé syndrome (PMID: 18234728, 23848572). This variant is also known as 1707delC. ClinVar contains an entry for this variant (Variation ID: 220767). For these reasons, this variant has been classified as Pathogenic.

Ambry Genetics
Classification: Pathogenic for Hereditary cancer-predisposing syndrome. Last evaluated: 2024-08-23. Review status: criteria provided, single submitter. Criteria: Ambry Variant Classification Scheme 2023. Collection method: clinical testing. Allele origin: germline.
Comment: The c.1252delC pathogenic mutation, located in coding exon 8 of the FLCN gene, results from a deletion of one nucleotide at nucleotide position 1252, causing a translational frameshift with a predicted alternate stop codon (p.L418Wfs*50). This mutation has been identified in multiple patients affected with Birt-Hogg-Dub&eacute; syndrome (Toro JR et al. J Med Genet, 2008 Jun;45:321-31; Raymond VM et al. Clin. Endocrinol. (Oxf), 2014 Jun;80:925-7; Boland J et al. Perm J, 2020 11;24:1-6). Of note, this alteration is also designated as 1707delC in published literature. This variant is considered to be rare based on population cohorts in the Genome Aggregation Database (gnomAD). In addition to the clinical data presented in the literature, this alteration is expected to result in loss of function by premature protein truncation or nonsense-mediated mRNA decay. As such, this alteration is interpreted as a disease-causing mutation.

GeneDx
Classification: Pathogenic. Last evaluated: 2023-08-28. Review status: criteria provided, single submitter. Criteria: GeneDx Variant Classification Process June 2021. Collection method: clinical testing. Allele origin: germline. Affected: yes.
Comment: Frameshift variant predicted to result in protein truncation or nonsense mediated decay in a gene for which loss of function is a known mechanism of disease; Not observed at significant frequency in large population cohorts (gnomAD); This variant is associated with the following publications: (PMID: 18234728, 19802896, 23848572, 21937013, 37273290, 29357828, 33482948)

Myriad Genetics, Inc.
Classification: Pathogenic for Birt-Hogg-Dube syndrome 1. Last evaluated: 2023-01-18. Review status: criteria provided, single submitter. Criteria: Myriad Autosomal Dominant, Autosomal Recessive and X-Linked Classification Criteria (2023). Collection method: clinical testing. Allele origin: unknown.
Comment: This variant is considered pathogenic. This variant creates a frameshift predicted to result in premature protein truncation.

Quest Diagnostics Nichols Institute San Juan Capistrano
Classification: Pathogenic. Last evaluated: 2022-12-06. Review status: criteria provided, single submitter. Criteria: Quest Diagnostics criteria. Collection method: clinical testing. Allele origin: unknown.
Comment: This frameshift variant alters the translational reading frame of the FLCN mRNA and causes the premature termination of FLCN protein synthesis. This variant has not been reported in large, multi-ethnic general populations. In the published literature, the variant has been reported in individuals with Birt-Hogg-Dube (BHD) syndrome (PMIDs: 33482948 (2020), 23848572 (2014), 18234728 (2008)). Based on the available information, this variant is classified as pathogenic.

Women's Health and Genetics/Laboratory Corporation of America, LabCorp
Classification: Pathogenic for Birt-Hogg-Dube syndrome. Last evaluated: 2022-06-06. Review status: criteria provided, single submitter. Criteria: LabCorp Variant Classification Summary - May 2015. Collection method: clinical testing. Allele origin: germline.
Comment: Variant summary: FLCN c.1252delC (p.Leu418TrpfsX50) results in a premature termination codon, predicted to cause a truncation of the encoded protein or absence of the protein due to nonsense mediated decay, which are commonly known mechanisms for disease. The variant was absent in 249330 control chromosomes (gnomAD). c.1252delC has been reported in the literature in individuals affected with Birt-Hogg-Dube Syndrome (Toro_2008, Raymond_2014, Boland_2020). These data indicate that the variant is likely to be associated with disease. Four ClinVar submitters (evaluation after 2014) cite the variant as pathogenic. Based on the evidence outlined above, the variant was classified as pathogenic.

Genomic Diagnostic Laboratory, Division of Genomic Diagnostics, Children's Hospital of Philadelphia
Classification: Pathogenic for Birt-Hogg-Dube Syndrome. Last evaluated: 2016-07-18. Review status: criteria provided, single submitter. Criteria: DGD Variant Analysis Guidelines. Collection method: clinical testing. Allele origin: germline. Affected: yes. Observed: 6 variant alleles.
Comment: Clinical Testing

Division of Respiratory Medicine of Juntendo University, Juntendo University Faculty of Medicine and Graduate School of Medicine
Classification: Pathogenic for Birt-Hogg-Dube syndrome 1. Last evaluated: 2023-07-01. Review status: no assertion criteria provided. Collection method: clinical testing. Allele origin: germline. Affected: yes. Not counted in ClinVar's aggregate classification.

Literature cited by the submitters: PubMed 23848572 (cited by 6 submitters); PubMed 22146830 (cited by Dasa); PubMed 20413710 (cited by Dasa); PubMed 21412933 (cited by Dasa); PubMed 18234728 (cited by 5 submitters); PubMed 37273290 (cited by Mayo Clinic Laboratories, Mayo Clinic); PubMed 37490463 (cited by Mayo Clinic Laboratories, Mayo Clinic); PubMed 15852235 (cited by Labcorp Genetics (formerly Invitae), Labcorp); PubMed 33482948 (cited by 3 submitters).

NM_144997.7(FLCN):c.1252del (p.Leu418fs)

Gene: FLCN (folliculin; minus strand). Cytogenetic location: 17p11.2.
Variant type: Deletion.
Coding change: c.1252del on transcript NM_144997.7 (MANE Select); coding-DNA position 1252, one base deleted (C; older notation c.1252delC).
Protein change: p.Leu418fs; shifts the reading frame from leucine 418.
Molecular consequence: frameshift variant.
Genome position (GRCh38, 1-based): chr17:17,216,428, G deleted on the plus strand (C on the coding strand, the reverse complement: FLCN is on the minus strand); the first of 2 consecutive G bases (chr17:17,216,428-17,216,429); deleting either gives the same sequence. VCF-style (leftmost placement, unchanged base first): chr17-17216427-AG-A. GRCh37 (hg19) VCF-style: chr17-17119741-AG-A.
Other names: p.Leu418Trpfs*50; c.1306del, p.Leu436fs (NM_001353229.2); c.1252del, p.Leu418fs (NM_001353230.2, NM_001353231.2); c.1252del (NM_144997.6, NM_144997.5, LRG_325t1); short protein forms L418fs, L436fs.
Identifiers: ClinVar variation 220767 (VCV000220767.30), dbSNP rs864622651, ClinGen allele CA348602.